The following is an entry in ClinVar:

NM_000062.3(SERPING1):c.1226T>C (p.Met409Thr)

Gene: SERPING1 (serpin family G member 1; plus strand). Cytogenetic location: 11q12.1.
Variant type: single nucleotide variant.
Coding change: c.1226T>C on transcript NM_000062.3 (MANE Select); coding-DNA position 1226, T replaced by C.
Protein change: p.Met409Thr; replaces methionine 409 with threonine.
Molecular consequence: missense variant.
Genome position (GRCh38, 1-based): chr11:57,611,913, T>C. VCF-style: chr11-57611913-T-C. GRCh37 (hg19) VCF-style: chr11-57379386-T-C.
Other names: c.1226T>C, p.Met409Thr (NM_001032295.2); short protein forms M409T.
Identifiers: ClinVar variation 3255531 (VCV003255531.2).
Genomic context (GRCh38, chr11:57,611,913, plus strand): 5'-CCAAGTTCCAGCCCACTCTCCTAACACTACCCCGCATCAAAGTGACGACCAGCCAGGATA[T>C]GCTCTCAATCATGGAGAAATTGGGTGAGCTCTGGCAGCTTAGGGTTACTCCCAGGCCATC-3'
Protein context (NP_000053.2, residues 399-419): PRIKVTTSQD[Met409Thr]LSIMEKLEFF

ClinVar aggregate classification (germline): Pathogenic (1 of 4 stars; one submission).

Conditions:
Hereditary angioedema type 1 (HAE1). Identifiers: Orphanet 100050, Orphanet 100051, Orphanet 91378, MedGen C2717906, MONDO:0015053, OMIM 106100.

Submission:

DNA-diagnostics Laboratory, Research Centre For Medical Genetics
Classification: Pathogenic for Hereditary angioedema type 1. Last evaluated: 2024-07-26. Review status: criteria provided, single submitter. Criteria: ACMG Guidelines, 2015. Collection method: research. Allele origin: germline. Inheritance: Autosomal dominant inheritance. Affected: yes. Observed: 1 heterozygote.
Comment: According to our observation and published information (Roche et al., 2005, Pedrosa et al., 2016, Ponard et all, 2020), the c.1226T>C variant in SERPING1 meets ACMG/ClinGen SVI guidance criteria to be classified as pathogenic: PP4_Str, PS4_Mod, PP3_Mod, PM2_Sup, PP2

Literature cited by the submitters: DOI 10.1007/s10875-015-0222-9; PubMed 15971231; DOI 10.1002/humu.23917.